The following is an entry in ClinVar:

NM_000814.6(GABRB3):c.452A>G (p.Tyr151Cys)

Gene: GABRB3 (gamma-aminobutyric acid type A receptor subunit beta3; minus strand). Cytogenetic location: 15q12.
Variant type: single nucleotide variant.
Coding change: c.452A>G on transcript NM_000814.6 (MANE Select); coding-DNA position 452, A replaced by G.
Protein change: p.Tyr151Cys; replaces tyrosine 151 with cysteine.
Molecular consequence: missense variant. On other transcripts: non-coding transcript variant (1).
Genome position (GRCh38, 1-based): chr15:26,621,323, T>C on the plus strand (A>G on the coding strand, the complement: GABRB3 is on the minus strand). VCF-style: chr15-26621323-T-C. GRCh37 (hg19) VCF-style: chr15-26866470-T-C.
Other names: c.197A>G, p.Tyr66Cys (NM_001191320.2, NM_001278631.2); c.239A>G, p.Tyr80Cys (NM_001191321.3); c.452A>G, p.Tyr151Cys (NM_021912.5); short protein forms Y151C, Y66C, Y80C.
Identifiers: ClinVar variation 1696962 (VCV001696962.2), dbSNP rs2140536726, ClinGen allele CA391460596.

ClinVar aggregate classification (germline): Uncertain significance (1 of 4 stars; one submission).

Submission:

GeneDx
Classification: Uncertain significance. Last evaluated: 2022-01-14. Review status: criteria provided, single submitter. Criteria: GeneDx Variant Classification Process June 2021. Collection method: clinical testing. Allele origin: germline. Affected: yes.
Comment: Not observed at significant frequency in large population cohorts (gnomAD); In silico analysis supports that this missense variant has a deleterious effect on protein structure/function; Has not been previously published as pathogenic or benign to our knowledge